The following is an entry in ClinVar:

ClinVar aggregate classification (germline): Uncertain significance (1 of 4 stars; one submission).

Conditions:
Hypokalemic periodic paralysis, type 1. Also called: Hypokalemic Periodic Paralysis Type 1 (AD); HypoPP. Identifiers: Orphanet 681, MedGen C3714580, MONDO:0042979, OMIM 170400.
Malignant hyperthermia, susceptibility to, 5 (MHS5). Also called: CACNA1S-Related Malignant Hyperthermia Susceptibility. Identifiers: Orphanet 423, MedGen C1866077, MONDO:0011163, OMIM 601887.

Allele frequency attached by ClinVar (database versions not stated): TOPMed 0.00002.
gnomAD v4.1: 1 of 1,603,724 alleles (0.000062%); highest among the groups gnomAD compares: Non-Finnish European, 0.000085%; no homozygotes.

Submission:

Labcorp Genetics (formerly Invitae), Labcorp
Classification: Uncertain significance for Hypokalemic periodic paralysis, type 1; Malignant hyperthermia, susceptibility to, 5. Last evaluated: 2021-07-12. Review status: criteria provided, single submitter. Criteria: Invitae Variant Classification Sherloc (09022015). Collection method: clinical testing. Allele origin: germline.
Comment: This sequence change disrupts the translational stop signal of the CACNA1S mRNA. It is expected to extend the length of the CACNA1S protein by 13 additional amino acid residues. This variant is not present in population databases (ExAC no frequency). This variant has not been reported in the literature in individuals affected with CACNA1S-related conditions. Experimental studies and prediction algorithms are not available or were not evaluated, and the functional significance of this variant is currently unknown. In summary, the available evidence is currently insufficient to determine the role of this variant in disease. Therefore, it has been classified as a Variant of Uncertain Significance.

NM_000069.3(CACNA1S):c.5621G>T (p.Ter1874Leu)

Gene: CACNA1S (calcium voltage-gated channel subunit alpha1 S; minus strand). Cytogenetic location: 1q32.1.
Variant type: single nucleotide variant.
Coding change: c.5621G>T on transcript NM_000069.3 (MANE Select); coding-DNA position 5621, G replaced by T.
Protein change: p.Ter1874Leu.
Molecular consequence: stop lost.
Genome position (GRCh38, 1-based): chr1:201,039,832, C>A on the plus strand (G>T on the coding strand, the complement: CACNA1S is on the minus strand). VCF-style: chr1-201039832-C-A. GRCh37 (hg19) VCF-style: chr1-201008960-C-A.
Identifiers: ClinVar variation 1052571 (VCV001052571.6), dbSNP rs1453298040, ClinGen allele CA344127241.